The following is an entry in ClinVar:

ClinVar aggregate classification (germline): Likely pathogenic (1 of 4 stars; one submission).

Conditions:
Myopathy, proximal, and ophthalmoplegia (CMYO6). Also called: MYOPATHY WITH CONGENITAL JOINT CONTRACTURES, OPHTHALMOPLEGIA, AND RIMMED VACUOLES; INCLUSION BODY MYOPATHY 3, AUTOSOMAL DOMINANT; CONGENITAL MYOPATHY 6 WITH OPHTHALMOPLEGIA. Identifiers: Orphanet 363677, Orphanet 79091, MedGen C1854106, MONDO:0011577, OMIM 605637.

Allele frequency attached by ClinVar (database versions not stated): gnomAD exomes below 0.00001; TOPMed below 0.00001.
gnomAD v4.1: 1 of 1,614,128 alleles (0.000062%); highest among the groups gnomAD compares: Admixed American, 0.0017%; no homozygotes.

Submission:

Labcorp Genetics (formerly Invitae), Labcorp
Classification: Likely pathogenic for Myopathy, proximal, and ophthalmoplegia. Last evaluated: 2018-06-06. Review status: criteria provided, single submitter. Criteria: Invitae Variant Classification Sherloc (09022015). Collection method: clinical testing. Allele origin: germline.
Comment: In summary, the currently available evidence indicates that the variant is pathogenic, but additional data are needed to prove that conclusively. Therefore, this variant has been classified as Likely Pathogenic. Donor and acceptor splice site variants typically lead to a loss of protein function (PMID: 16199547), and loss-of-function variants in MYH2 are known to be pathogenic (PMID: 20418530, 23388406, 24193343). This variant has not been reported in the literature in individuals with MYH2-related disease. This variant is not present in population databases (ExAC no frequency). This sequence change affects a donor splice site in intron 8 of the MYH2 gene. It is expected to disrupt RNA splicing and likely results in an absent or disrupted protein product.

Literature cited by the submitters: PubMed 16199547; PubMed 20418530; PubMed 23388406; PubMed 24193343.

NM_017534.6(MYH2):c.741+1G>A

Genes: MYH2 (myosin heavy chain 2; minus strand), MYHAS (myosin heavy chain gene cluster antisense RNA; plus strand), LOC126862501 (CDK7 strongly-dependent group 2 enhancer GRCh37_chr17:10446256-10447455; plus strand). Cytogenetic location: 17p13.1.
Variant type: single nucleotide variant.
Coding change: c.741+1G>A on transcript NM_017534.6 (MANE Select); the canonical splice donor site of the intron after coding-DNA position 741, G replaced by A.
Molecular consequence: splice donor variant.
Genome position (GRCh38, 1-based): chr17:10,543,710, C>T on the plus strand (G>A on the coding strand, the complement: MYH2 is on the minus strand). VCF-style: chr17-10543710-C-T. GRCh37 (hg19) VCF-style: chr17-10447027-C-T.
Other names: c.741+1G>A (NM_001100112.2).
Identifiers: ClinVar variation 578895 (VCV000578895.6), dbSNP rs770945288, ClinGen allele CA398168418.